The following is an entry in ClinVar:

NM_006371.5(CRTAP):c.928G>A (p.Asp310Asn)

Gene: CRTAP (cartilage associated protein; plus strand). Cytogenetic location: 3p22.3.
Variant type: single nucleotide variant.
Coding change: c.928G>A on transcript NM_006371.5 (MANE Select); coding-DNA position 928, G replaced by A.
Protein change: p.Asp310Asn; replaces aspartic acid 310 with asparagine.
Molecular consequence: missense variant.
Genome position (GRCh38, 1-based): chr3:33,132,560, G>A. VCF-style: chr3-33132560-G-A. GRCh37 (hg19) VCF-style: chr3-33174052-G-A.
Other names: short protein forms D310N.
Identifiers: ClinVar variation 847714 (VCV000847714.5), dbSNP rs111525897, ClinGen allele CA2300451.
Genomic context (GRCh38, chr3:33,132,560, plus strand): 5'-AATTATAGGGTGTGGTTTGCTGATTTCTTCATTTGTCTTTTCTTCCCAACCCTAGTGAAC[G>A]ACCTGAAGAATGCAGCCCCCTGTGCAGTCAGCTATCTGCTCTTTGATCAGAATGACAAGG-3'
Protein context (NP_006362.1, residues 300-320): YLQFAYYKLN[Asp310Asn]LKNAAPCAVS

ClinVar aggregate classification (germline): Uncertain significance. Review status: criteria provided, multiple submitters, no conflicts (2 of 4 stars). 3 submissions from 3 submitters: Uncertain significance (3). Last evaluated 2024-06-26.

Conditions:
Inborn genetic diseases. Identifiers: MedGen C0950123, MeSH D030342.
Osteogenesis imperfecta type 7 (OI7). Also called: Osteogenesis imperfecta type 2B; OI type 2B; Osteogenesis imperfecta, perinatal lethal autosomal recessive; OI type IIB; OSTEOGENESIS IMPERFECTA, TYPE IIB; OI type 7. Identifiers: MedGen C1853162, MONDO:0012536, OMIM 610682.

Allele frequency attached by ClinVar (database versions not stated): gnomAD 0.00001; ExAC 0.00002; TOPMed 0.00004.

Submissions (3):

Ambry Genetics
Classification: Uncertain significance for Inborn genetic diseases. Last evaluated: 2024-06-26. Review status: criteria provided, single submitter. Criteria: Ambry Variant Classification Scheme 2023. Collection method: clinical testing. Allele origin: germline.

Labcorp Genetics (formerly Invitae), Labcorp
Classification: Uncertain significance for Osteogenesis imperfecta type 7. Last evaluated: 2022-09-07. Review status: criteria provided, single submitter. Criteria: Invitae Variant Classification Sherloc (09022015). Collection method: clinical testing. Allele origin: germline.
Comment: This sequence change replaces aspartic acid, which is acidic and polar, with asparagine, which is neutral and polar, at codon 310 of the CRTAP protein (p.Asp310Asn). This variant is present in population databases (rs111525897, gnomAD 0.006%). This variant has not been reported in the literature in individuals affected with CRTAP-related conditions. ClinVar contains an entry for this variant (Variation ID: 847714). Algorithms developed to predict the effect of missense changes on protein structure and function (SIFT, PolyPhen-2, Align-GVGD) all suggest that this variant is likely to be tolerated. In summary, the available evidence is currently insufficient to determine the role of this variant in disease. Therefore, it has been classified as a Variant of Uncertain Significance.

Breakthrough Genomics
Classification: Uncertain significance. Review status: criteria provided, single submitter. Criteria: ACMG Guidelines, 2015. Collection method: not provided. Allele origin: germline. Inheritance: Autosomal recessive inheritance. Affected: yes.